The following is an entry in ClinVar:

ClinVar aggregate classification (germline): Conflicting classifications of pathogenicity. Review status: criteria provided, conflicting classifications (1 of 4 stars). 3 submissions from 3 submitters: Uncertain significance (2); Likely benign (1). Last evaluated 2026-01-21.

Conditions:
Inborn genetic diseases. Identifiers: MedGen C0950123, MeSH D030342.
STING-associated vasculopathy with onset in infancy. Also called: Sting-associated vasculopathy, infantile-onset. Identifiers: Orphanet 425120, MedGen C4014722, MONDO:0014405, OMIM 615934.

Allele frequency attached by ClinVar (database versions not stated): TOPMed 0.00001; gnomAD exomes 0.00007 and 0.00004; gnomAD 0.00002 and 0.00001; ExAC 0.00005.
gnomAD v4.1: 109 of 1,614,082 alleles (0.0068%); highest among the groups gnomAD compares: Middle Eastern, 0.016%; no homozygotes.

Submissions (3):

Labcorp Genetics (formerly Invitae), Labcorp
Classification: Uncertain significance for STING-associated vasculopathy with onset in infancy. Last evaluated: 2026-01-21. Review status: criteria provided, single submitter. Criteria: Invitae Variant Classification Sherloc (09022015). Collection method: clinical testing. Allele origin: germline.
Comment: This sequence change replaces proline, which is neutral and non-polar, with leucine, which is neutral and non-polar, at codon 115 of the TMEM173 protein (p.Pro115Leu). This variant is present in population databases (rs769494344, gnomAD 0.006%). This variant has not been reported in the literature in individuals affected with TMEM173-related conditions. ClinVar contains an entry for this variant (Variation ID: 839783). Invitae Evidence Modeling of protein sequence and biophysical properties (such as structural, functional, and spatial information, amino acid conservation, physicochemical variation, residue mobility, and thermodynamic stability) indicates that this missense variant is not expected to disrupt TMEM173 protein function with a negative predictive value of 80%. In summary, the available evidence is currently insufficient to determine the role of this variant in disease. Therefore, it has been classified as a Variant of Uncertain Significance.

Ambry Genetics
Classification: Likely benign for Inborn genetic diseases. Last evaluated: 2021-12-13. Review status: criteria provided, single submitter. Criteria: Ambry Variant Classification Scheme 2023. Collection method: clinical testing. Allele origin: germline.

New York Genome Center
Classification: Uncertain significance for STING-associated vasculopathy with onset in infancy. Last evaluated: 2020-05-31. Review status: criteria provided, single submitter. Criteria: NYGC Assertion Criteria 2020. Collection method: clinical testing. Allele origin: inherited. Observed: 1 heterozygote. Study: CSER-NYCKidSeq.
Comment: The inherited c.344C>T (p.Pro115Leu) variant in exon 4 of 8 of STING1 has not been reported in affected individuals in the available literature. This variant is present in gnomAD at a very low frequency [9 heterozygotes, allele frequency 0.00003582, no homozygotes] indicating it is not a common benign variant in the populations represented in this database. In silico predictors suggest this variant is Neutral (Provean; score: 2.13) and Tolerated (SIFT; score: 0.808). This variant is reported once in Clinvar as a variant of uncertain significance (Variation ID: 839783). Given the current evidences regarding its pathogenicity, the inherited c.344C>T (p.Pro115Leu) variant identified in the STING1 gene is reported as a Variant of Uncerta in Significance.

NM_198282.4(STING1):c.344C>T (p.Pro115Leu)

Genes: STING1 (stimulator of interferon response cGAMP interactor 1; minus strand), LOC123522803 (Sharpr-MPRA regulatory region 11914; plus strand). Cytogenetic location: 5q31.2.
Variant type: single nucleotide variant.
Coding change: c.344C>T on transcript NM_198282.4 (MANE Select); coding-DNA position 344, C replaced by T.
Protein change: p.Pro115Leu; replaces proline 115 with leucine.
Molecular consequence: missense variant. On other transcripts: 5 prime UTR variant (1).
Genome position (GRCh38, 1-based): chr5:139,481,226, G>A on the plus strand (C>T on the coding strand, the complement: STING1 is on the minus strand). VCF-style: chr5-139481226-G-A. GRCh37 (hg19) VCF-style: chr5-138860811-G-A.
Other names: c.344C>T, p.Pro115Leu (NM_001301738.2); c.-14C>T (NM_001367258.1); short protein forms P115L.
Identifiers: ClinVar variation 839783 (VCV000839783.12), dbSNP rs769494344, ClinGen allele CA3435438.